The following is an entry in ClinVar:

ClinVar aggregate classification (germline): Conflicting classifications of pathogenicity. Review status: criteria provided, conflicting classifications (1 of 4 stars). 3 submissions from 3 submitters: Uncertain significance (1); Likely benign (2). Last evaluated 2025-03-16.

Conditions:
Maturity-onset diabetes of the young (MODY). Also called: Maturity onset diabetes mellitus in young. Identifiers: Orphanet 552, MedGen C0342276, MONDO:0018911, HP:0004904.

Allele frequency attached by ClinVar (database versions not stated): gnomAD 0.00001; gnomAD exomes 0.00002; TOPMed 0.00002.

Submissions (3):

Labcorp Genetics (formerly Invitae), Labcorp
Classification: Likely benign. Last evaluated: 2025-03-16. Review status: criteria provided, single submitter. Criteria: Invitae Variant Classification Sherloc (09022015). Collection method: clinical testing. Allele origin: germline.

Genetic Services Laboratory, University of Chicago
Classification: Likely benign. Last evaluated: 2018-05-18. Review status: criteria provided, single submitter. Criteria: ACMG Guidelines, 2015. Collection method: clinical testing. Allele origin: germline. Affected: no.

Clinical Genomics, Uppaluri K&H Personalized Medicine Clinic
Classification: Uncertain significance for Maturity-onset diabetes of the young. Review status: criteria provided, single submitter. Criteria: K&H Uppaluri Personalized Medicine Clinic Variant Classification & Assertion Criteria. Collection method: research. Allele origin: somatic. Inheritance: Autosomal dominant inheritance.
Comment: Mutations in KCNJ11 gene can cause decreased production and secretion of insulin. This can lead to MODY which may be responsive to oral sulfonylureas. It is also associated with Neonatal Diabetes. However, no sufficient evidence is found to ascertain the role of rs371886780 variant in MODY yet.

Literature cited by the submitters: PubMed 26448950 (cited by Clinical Genomics, Uppaluri K&H Personalized Medicine Clinic); PubMed 15580558 (cited by Clinical Genomics, Uppaluri K&H Personalized Medicine Clinic); PubMed 15718250 (cited by Clinical Genomics, Uppaluri K&H Personalized Medicine Clinic); PubMed 32935446 (cited by Clinical Genomics, Uppaluri K&H Personalized Medicine Clinic); PubMed 22701567 (cited by Clinical Genomics, Uppaluri K&H Personalized Medicine Clinic).

NM_000525.4(KCNJ11):c.291C>T (p.His97=)

Gene: KCNJ11 (potassium inwardly rectifying channel subfamily J member 11; minus strand). Cytogenetic location: 11p15.1.
Variant type: single nucleotide variant.
Coding change: c.291C>T on transcript NM_000525.4 (MANE Select); coding-DNA position 291, C replaced by T.
Protein change: p.His97=; no amino-acid change (histidine 97 retained).
Molecular consequence: synonymous variant.
Genome position (GRCh38, 1-based): chr11:17,387,801, G>A on the plus strand (C>T on the coding strand, the complement: KCNJ11 is on the minus strand). VCF-style: chr11-17387801-G-A. GRCh37 (hg19) VCF-style: chr11-17409348-G-A.
Other names: c.30C>T, p.His10= (NM_001166290.2, NM_001377296.1, NM_001377297.1).
Identifiers: ClinVar variation 797832 (VCV000797832.15), dbSNP rs371886780, ClinGen allele CA5902310.